The following is an entry in ClinVar:

ClinVar aggregate classification (germline): Likely benign. Review status: criteria provided, multiple submitters, no conflicts (2 of 4 stars). 2 submissions from 2 submitters: Likely benign (2). Last evaluated 2021-08-20.

Conditions:
Mitochondrial complex IV deficiency, nuclear type 10. Also called: Mitochondrial complex 4 deficiency, nuclear type 10. Identifiers: MedGen C5436692, MONDO:0033639, OMIM 619053.

Allele frequency attached by ClinVar (database versions not stated): gnomAD exomes 0.00006 and 0.00010; ExAC 0.00016; ESP Exome Variant Server 0.00023; TOPMed 0.00030; gnomAD 0.00034 and 0.00037; 1000 Genomes Project 0.00040; 1000 Genomes Project 30x 0.00047.
gnomAD v4.1: 140 of 1,611,702 alleles (0.0087%); highest among the groups gnomAD compares: African/African-American, 0.11%; 1 homozygote.

Submissions (2):

Fulgent Genetics
Classification: Likely benign for Mitochondrial complex IV deficiency, nuclear type 10. Last evaluated: 2021-08-20. Review status: criteria provided, single submitter. Criteria: ACMG Guidelines, 2015. Collection method: clinical testing. Allele origin: unknown.

GeneDx
Classification: Likely benign. Last evaluated: 2018-02-07. Review status: criteria provided, single submitter. Criteria: GeneDx Variant Classification (06012015). Collection method: clinical testing. Allele origin: germline. Affected: yes.
Comment: This variant is considered likely benign or benign based on one or more of the following criteria: it is a conservative change, it occurs at a poorly conserved position in the protein, it is predicted to be benign by multiple in silico algorithms, and/or has population frequency not consistent with disease.

NM_032901.4(COX14):c.-8-14A>G

Gene: COX14 (cytochrome c oxidase assembly factor COX14; plus strand). Cytogenetic location: 12q13.12.
Variant type: single nucleotide variant.
Coding change: c.-8-14A>G on transcript NM_032901.4 (MANE Select); 14 bases into the intron before 8 bases upstream of the start codon, A replaced by G.
Molecular consequence: intron variant.
Genome position (GRCh38, 1-based): chr12:50,120,022, A>G. VCF-style: chr12-50120022-A-G. GRCh37 (hg19) VCF-style: chr12-50513805-A-G.
Other names: c.-8-14A>G (NM_001257134.2, NM_001257133.2).
Identifiers: ClinVar variation 506726 (VCV000506726.2), dbSNP rs200753288, ClinGen allele CA6561855.
Genomic context (GRCh38, chr12:50,120,022, plus strand): 5'-ATGGCGTTAAACAGGGAGATGGGCTGGGCAGATGAGGCCTTATCCTCAGGTCTAAATTCA[A>G]TCTGTCTTTGTAGGGGACAAGATGCCAACTGGCAAGCAGCTAGCTGACATTGGCTATAAG-3'